The following is an entry in ClinVar:

ClinVar aggregate classification (germline): Uncertain significance (1 of 4 stars; one submission).

Submission:

CeGaT Center for Human Genetics Tuebingen
Classification: Uncertain significance. Last evaluated: 2026-08-01. Review status: criteria provided, single submitter. Criteria: CeGaT Center For Human Genetics Tuebingen Variant Classification Criteria Version 2. Collection method: clinical testing. Allele origin: germline. Affected: yes. Observed: 1 variant allele.
Comment: RYR3: PM2, PP3

NM_001036.6(RYR3):c.8932C>T (p.His2978Tyr)

Gene: RYR3 (ryanodine receptor 3; plus strand). Cytogenetic location: 15q14.
Variant type: single nucleotide variant.
Coding change: c.8932C>T on transcript NM_001036.6 (MANE Select); coding-DNA position 8932, C replaced by T.
Protein change: p.His2978Tyr; replaces histidine 2978 with tyrosine.
Molecular consequence: missense variant.
Genome position (GRCh38, 1-based): chr15:33,772,035, C>T. VCF-style: chr15-33772035-C-T. GRCh37 (hg19) VCF-style: chr15-34064236-C-T.
Other names: c.8932C>T, p.His2978Tyr (NM_001243996.4); short protein forms H2978Y.
Identifiers: ClinVar variation 5040638 (VCV005040638.1).
Genomic context (GRCh38, chr15:33,772,035, plus strand): 5'-GAAAATGCTGCAGAAGATTTGGAGAAGACTTCAGAAAACCTGAAACTTGGGAAGTTCACC[C>T]ATTCCCGAACGCAGATTAAAGGCGTTTCTCAGAATATTAACTACACTACAGTGGCTCTGC-3'
Protein context (NP_001027.3, residues 2968-2988): SENLKLGKFT[His2978Tyr]SRTQIKGVSQ